The following is an entry in ClinVar:

NM_032861.4(SERAC1):c.1765G>A (p.Glu589Lys)

Gene: SERAC1 (serine active site containing 1; minus strand). Cytogenetic location: 6q25.3.
Variant type: single nucleotide variant.
Coding change: c.1765G>A on transcript NM_032861.4 (MANE Select); coding-DNA position 1765, G replaced by A.
Protein change: p.Glu589Lys; replaces glutamic acid 589 with lysine.
Molecular consequence: missense variant.
Genome position (GRCh38, 1-based): chr6:158,113,512, C>T on the plus strand (G>A on the coding strand, the complement: SERAC1 is on the minus strand). VCF-style: chr6-158113512-C-T. GRCh37 (hg19) VCF-style: chr6-158534544-C-T.
Other names: short protein forms E589K.
Identifiers: ClinVar variation 645684 (VCV000645684.1), dbSNP rs1020569740, ClinGen allele CA150912975.

ClinVar aggregate classification (germline): Uncertain significance (1 of 4 stars; one submission).

Conditions:
3-methylglutaconic aciduria with deafness, encephalopathy, and Leigh-like syndrome (MEGDEL). Also called: 3-METHYLGLUTACONIC ACIDURIA, TYPE VI; SERAC1 Deficiency; MEGDEL syndrome. Identifiers: Orphanet 352328, MedGen C4040739, MONDO:0013875, OMIM 614739.

Allele frequency attached by ClinVar (database versions not stated): TOPMed below 0.00001; gnomAD exomes 0.00001 and 0.00004.
gnomAD v4.1: 61 of 1,614,026 alleles (0.0038%); highest among the groups gnomAD compares: Non-Finnish European, 0.0051%; no homozygotes.

Submission:

Labcorp Genetics (formerly Invitae), Labcorp
Classification: Uncertain significance for 3-methylglutaconic aciduria with deafness, encephalopathy, and Leigh-like syndrome. Last evaluated: 2018-08-20. Review status: criteria provided, single submitter. Criteria: Invitae Variant Classification Sherloc (09022015). Collection method: clinical testing. Allele origin: germline.
Comment: This sequence change replaces glutamic acid with lysine at codon 589 of the SERAC1 protein (p.Glu589Lys). The glutamic acid residue is highly conserved and there is a small physicochemical difference between glutamic acid and lysine. This variant is not present in population databases (ExAC no frequency). This variant has not been reported in the literature in individuals with SERAC1-related disease. Algorithms developed to predict the effect of missense changes on protein structure and function (SIFT, PolyPhen-2, Align-GVGD) all suggest that this variant is likely to be disruptive, but these predictions have not been confirmed by published functional studies and their clinical significance is uncertain. In summary, the available evidence is currently insufficient to determine the role of this variant in disease. Therefore, it has been classified as a Variant of Uncertain Significance.